The following is an entry in ClinVar:

NM_000262.3(NAGA):c.1111G>A (p.Val371Ile)

Gene: NAGA (alpha-N-acetylgalactosaminidase; minus strand). Cytogenetic location: 22q13.2.
Variant type: single nucleotide variant.
Coding change: c.1111G>A on transcript NM_000262.3 (MANE Select); coding-DNA position 1111, G replaced by A.
Protein change: p.Val371Ile; replaces valine 371 with isoleucine.
Molecular consequence: missense variant.
Genome position (GRCh38, 1-based): chr22:42,060,404, C>T on the plus strand (G>A on the coding strand, the complement: NAGA is on the minus strand). VCF-style: chr22-42060404-C-T. GRCh37 (hg19) VCF-style: chr22-42456408-C-T.
Other names: c.1111G>A, p.Val371Ile (NM_001362848.1, NM_001362850.1); c.1111G>A (NM_000262.2); short protein forms V371I.
Identifiers: ClinVar variation 1369299 (VCV001369299.5), dbSNP rs755283571, ClinGen allele CA10263579.

ClinVar aggregate classification (germline): Uncertain significance. Review status: criteria provided, multiple submitters, no conflicts (2 of 4 stars). 2 submissions from 2 submitters: Uncertain significance (2). Last evaluated 2025-02-26.

Conditions:
Inborn genetic diseases. Identifiers: MedGen C0950123, MeSH D030342.
Alpha-N-acetylgalactosaminidase deficiency type 1. Also called: NEUROAXONAL DYSTROPHY, SCHINDLER TYPE; NAGA DEFICIENCY, TYPE I; SCHINDLER DISEASE, TYPE I; ALPHA-N-ACETYLGALACTOSAMINIDASE DEFICIENCY, TYPE I. Identifiers: Orphanet 3137, Orphanet 79279, Orphanet 79281, MedGen C1836544, MONDO:0012221, OMIM 609241.

Allele frequency attached by ClinVar (database versions not stated): ExAC 0.00001; TOPMed 0.00001; gnomAD 0.00002; gnomAD exomes 0.00002.

Submissions (2):

Ambry Genetics
Classification: Uncertain significance for Inborn genetic diseases. Last evaluated: 2025-02-26. Review status: criteria provided, single submitter. Criteria: Ambry Variant Classification Scheme 2023. Collection method: clinical testing. Allele origin: germline.

Labcorp Genetics (formerly Invitae), Labcorp
Classification: Uncertain significance for Alpha-N-acetylgalactosaminidase deficiency type 1. Last evaluated: 2024-05-22. Review status: criteria provided, single submitter. Criteria: Invitae Variant Classification Sherloc (09022015). Collection method: clinical testing. Allele origin: germline.
Comment: This sequence change replaces valine, which is neutral and non-polar, with isoleucine, which is neutral and non-polar, at codon 371 of the NAGA protein (p.Val371Ile). This variant is present in population databases (rs755283571, gnomAD 0.01%). This variant has not been reported in the literature in individuals affected with NAGA-related conditions. ClinVar contains an entry for this variant (Variation ID: 1369299). Advanced modeling of protein sequence and biophysical properties (such as structural, functional, and spatial information, amino acid conservation, physicochemical variation, residue mobility, and thermodynamic stability) performed at Invitae indicates that this missense variant is not expected to disrupt NAGA protein function with a negative predictive value of 80%. In summary, the available evidence is currently insufficient to determine the role of this variant in disease. Therefore, it has been classified as a Variant of Uncertain Significance.